The following is an entry in ClinVar:

NM_003504.5(CDC45):c.591G>A (p.Ser197=)

Gene: CDC45 (cell division cycle 45; plus strand). Cytogenetic location: 22q11.21.
Variant type: single nucleotide variant.
Coding change: c.591G>A on transcript NM_003504.5 (MANE Select); coding-DNA position 591, G replaced by A.
Protein change: p.Ser197=; no amino-acid change (serine 197 retained).
Molecular consequence: synonymous variant. On other transcripts: non-coding transcript variant (1).
Genome position (GRCh38, 1-based): chr22:19,496,029, G>A. VCF-style: chr22-19496029-G-A. GRCh37 (hg19) VCF-style: chr22-19483552-G-A.
Other names: c.687G>A, p.Ser229= (NM_001178010.2); c.453G>A, p.Ser151= (NM_001178011.2); c.555G>A, p.Ser185= (NM_001369291.1).
Identifiers: ClinVar variation 2072795 (VCV002072795.2), dbSNP rs148779081, ClinGen allele CA10101135.

ClinVar aggregate classification (germline): Uncertain significance (1 of 4 stars; one submission).

Allele frequency attached by ClinVar (database versions not stated): gnomAD 0.00005; ExAC 0.00006; TOPMed 0.00007; ESP Exome Variant Server 0.00015.
gnomAD v4.1: 26 of 1,599,456 alleles (0.0016%); highest among the groups gnomAD compares: African/African-American, 0.02%; no homozygotes.

Submission:

Labcorp Genetics (formerly Invitae), Labcorp
Classification: Uncertain significance. Last evaluated: 2025-01-15. Review status: criteria provided, single submitter. Criteria: Invitae Variant Classification Sherloc (09022015). Collection method: clinical testing. Allele origin: germline.
Comment: This sequence change affects codon 229 of the CDC45 mRNA. It is a 'silent' change, meaning that it does not change the encoded amino acid sequence of the CDC45 protein. This variant also falls at the last nucleotide of exon 8, which is part of the consensus splice site for this exon. This variant is present in population databases (rs148779081, gnomAD 0.03%). This variant has not been reported in the literature in individuals affected with CDC45-related conditions. ClinVar contains an entry for this variant (Variation ID: 2072795). Variants that disrupt the consensus splice site are a relatively common cause of aberrant splicing (PMID: 17576681, 9536098). Algorithms developed to predict the effect of sequence changes on RNA splicing suggest that this variant may disrupt the consensus splice site. In summary, the available evidence is currently insufficient to determine the role of this variant in disease. Therefore, it has been classified as a Variant of Uncertain Significance.

Literature cited by the submitters: PubMed 17576681; PubMed 9536098.